The following is an entry in ClinVar:

NM_019086.6(VSIG10):c.1398GGA[6] (p.Glu473_Glu474del)

Gene: VSIG10 (V-set and immunoglobulin domain containing 10; minus strand). Cytogenetic location: 12q24.23.
Variant type: Microsatellite.
Coding change: c.1398GGA[6] on transcript NM_019086.6 (MANE Select); six copies in a row of the 3-base unit GGA starting at c.1398; the reference has eight copies in a row; two copies, 6 bases deleted.
Protein change: p.Glu473_Glu474del.
Molecular consequence: inframe deletion.
Genome position (GRCh38, 1-based): chr12:118,068,523-118,068,528, TCCTCC deleted on the plus strand (GGAGGA on the coding strand, the reverse complement: VSIG10 is on the minus strand); deleting any 6 consecutive bases within chr12:118,068,523-118,068,548 gives the same sequence; the position shown is the placement nearest the transcript's 3' end. VCF-style (leftmost placement, unchanged base first): chr12-118068522-TTCCTCC-T. GRCh37 (hg19) VCF-style: chr12-118506327-TTCCTCC-T.
Identifiers: ClinVar variation 403604 (VCV000403604.4), dbSNP rs67582641, ClinGen allele CA6817266.

ClinVar aggregate classification (germline): Benign (1 of 4 stars; one submission).

Submission:

Laboratory for Molecular Medicine, Mass General Brigham Personalized Medicine
Classification: Benign. Last evaluated: 2016-03-29. Review status: criteria provided, single submitter. Criteria: LMM Criteria. Collection method: clinical testing. Allele origin: germline.
Comment: Variant identified in a genome or exome case(s) and assessed due to predicted null impact of the variant or pathogenic assertions in the literature or databases. Disclaimer: This variant has not undergone full assessment. The following are preliminary notes: Frequency